The following is an entry in ClinVar:

NM_001035.3(RYR2):c.7291G>T (p.Asp2431Tyr)

Gene: RYR2 (ryanodine receptor 2; plus strand). Cytogenetic location: 1q43.
Variant type: single nucleotide variant.
Coding change: c.7291G>T on transcript NM_001035.3 (MANE Select); coding-DNA position 7291, G replaced by T.
Protein change: p.Asp2431Tyr; replaces aspartic acid 2431 with tyrosine.
Molecular consequence: missense variant.
Genome position (GRCh38, 1-based): chr1:237,643,396, G>T. VCF-style: chr1-237643396-G-T. GRCh37 (hg19) VCF-style: chr1-237806696-G-T.
Other names: c.7291G>T, p.Asp2431Tyr (LRG_402t1); short protein forms D2431Y.
Identifiers: ClinVar variation 463632 (VCV000463632.10), dbSNP rs1553265823, ClinGen allele CA500018.

ClinVar aggregate classification (germline): Uncertain significance (1 of 4 stars; one submission).

Conditions:
Catecholaminergic polymorphic ventricular tachycardia 1. Also called: VENTRICULAR TACHYCARDIA, STRESS-INDUCED POLYMORPHIC 1; VENTRICULAR TACHYCARDIA, CATECHOLAMINERGIC POLYMORPHIC, 1, WITH OR WITHOUT ATRIAL DYSFUNCTION AND/OR DILATED CARDIOMYOPATHY; RYR2-Related Catecholaminergic Polymorphic Ventricular Tachycardia. Identifiers: Orphanet 3286, MedGen C1631597, MONDO:0011484, OMIM 604772.

Submission:

Labcorp Genetics (formerly Invitae), Labcorp
Classification: Uncertain significance for Catecholaminergic polymorphic ventricular tachycardia 1. Last evaluated: 2017-05-12. Review status: criteria provided, single submitter. Criteria: Invitae Variant Classification Sherloc (09022015). Collection method: clinical testing. Allele origin: germline.
Comment: This sequence change replaces aspartic acid with tyrosine at codon 2431 of the RYR2 protein (p.Asp2431Tyr). The aspartic acid residue is highly conserved and there is a large physicochemical difference between aspartic acid and tyrosine. This variant is not present in population databases (ExAC no frequency) and has not been reported in the literature in individuals with a RYR2-related disease. Algorithms developed to predict the effect of missense changes on protein structure and function (SIFT, PolyPhen-2, Align-GVGD) all suggest that this variant is likely to be disruptive, but these predictions have not been confirmed by published functional studies. In summary, this variant is a novel missense change with uncertain impact on protein function. It has been classified as a Variant of Uncertain Significance. This variant occurs within one of the three regions of the RYR2 gene (N-terminal domain, central domain, or channel region) where other pathogenic variants have been reported to cluster (PMID: 19926015).

Literature cited by the submitters: PubMed 19926015.